The following is an entry in ClinVar:

NM_018834.6(MATR3):c.650T>C (p.Met217Thr)

Gene: MATR3 (matrin 3; plus strand). Cytogenetic location: 5q31.2.
Variant type: single nucleotide variant.
Coding change: c.650T>C on transcript NM_018834.6 (MANE Select); coding-DNA position 650, T replaced by C.
Protein change: p.Met217Thr; replaces methionine 217 with threonine.
Molecular consequence: missense variant. On other transcripts: intron variant (11).
Genome position (GRCh38, 1-based): chr5:139,308,065, T>C. VCF-style: chr5-139308065-T-C. GRCh37 (hg19) VCF-style: chr5-138643754-T-C.
Other names: c.650T>C, p.Met217Thr (NM_001194954.2, NM_001194955.2, NM_001400441.1 and 16 more transcripts); c.52-6610T>C (NM_001400459.1); c.-102-6610T>C (NM_001400463.1, NM_001400460.1, NM_001282278.2 and 3 more transcripts); c.-40-7632T>C (NM_001400462.1, NM_001400467.1); c.13-6610T>C (NM_001400461.1); c.49-6610T>C (NM_001194956.2); short protein forms M217T.
Identifiers: ClinVar variation 3703697 (VCV003703697.2).

ClinVar aggregate classification (germline): Uncertain significance (1 of 4 stars; one submission).

Conditions:
Amyotrophic lateral sclerosis type 21. Also called: MYOPATHY, DISTAL, 2; VOCAL CORD AND PHARYNGEAL DYSFUNCTION WITH DISTAL MYOPATHY. Identifiers: Orphanet 600, Orphanet 803, MedGen C3807521, MONDO:0011632, OMIM 606070.

gnomAD v4.1: 11 of 1,614,006 alleles (0.00068%); highest among the groups gnomAD compares: Non-Finnish European, 0.00025%; no homozygotes.

Submission:

Labcorp Genetics (formerly Invitae), Labcorp
Classification: Uncertain significance for Amyotrophic lateral sclerosis type 21. Last evaluated: 2024-11-05. Review status: criteria provided, single submitter. Criteria: Invitae Variant Classification Sherloc (09022015). Collection method: clinical testing. Allele origin: germline.
Comment: This sequence change replaces methionine, which is neutral and non-polar, with threonine, which is neutral and polar, at codon 217 of the MATR3 protein (p.Met217Thr). This variant is present in population databases (rs759621063, gnomAD 0.02%). This variant has not been reported in the literature in individuals affected with MATR3-related conditions. Invitae Evidence Modeling of protein sequence and biophysical properties (such as structural, functional, and spatial information, amino acid conservation, physicochemical variation, residue mobility, and thermodynamic stability) indicates that this missense variant is not expected to disrupt MATR3 protein function with a negative predictive value of 80%. In summary, the available evidence is currently insufficient to determine the role of this variant in disease. Therefore, it has been classified as a Variant of Uncertain Significance.